The following is an entry in ClinVar:

ClinVar aggregate classification (germline): Uncertain significance. Review status: criteria provided, single submitter (1 of 4 stars). 3 submissions from 3 submitters: Uncertain significance (1). 2 of the submissions do not count toward it. Last evaluated 2025-10-01.

Conditions:
Night blindness, congenital stationary, type1i. Also called: NIGHT BLINDNESS, CONGENITAL STATIONARY, TYPE 1I. Identifiers: MedGen C5231408, MONDO:0032811, OMIM 618555.
Leber congenital amaurosis 1 (LCA1). Also called: AMAUROSIS CONGENITA OF LEBER I; Congenital absence of the rods and cones; Leber's congenital tapetoretinal degeneration; Leber's congenital tapetoretinal dysplasia; RETINAL BLINDNESS, CONGENITAL. Identifiers: Orphanet 65, MedGen C2931258, MONDO:0008764, OMIM 204000.

Submissions (3):

3billion
Classification: Uncertain significance for Night blindness, congenital stationary, type1i. Last evaluated: 2025-10-01. Review status: criteria provided, single submitter. Criteria: ACMG Guidelines, 2015. Collection method: clinical testing. Allele origin: germline. Affected: yes.
Comment: The variant is not observed in the gnomAD v4.1.0 dataset. Predicted Consequence/Location: Intron variant In silico tools predict the variant to alter splicing and produce an abnormal transcript [SpliceAI: 0.67 (>=0.2, moderate evidence for spliceogenicity)]. The variant has been reported to be associated with GUCY2D-related disorder (ClinVar ID: VCV000098587 /PMID: 15024725). However, the evidence of pathogenicity is insufficient at this time. Therefore, this variant is classified as VUS according to the recommendation of ACMG/AMP guideline.

Laboratory of Genetics in Ophthalmology, Institut Imagine
Classification: Likely pathogenic for Leber congenital amaurosis 1. Review status: no assertion criteria provided. Collection method: research. Allele origin: inherited. Affected: yes. Observed: 2 variant alleles. Not counted in ClinVar's aggregate classification.

Retina International
No classification provided. Review status: no classification provided. Collection method: not provided. Allele origin: not provided. Not counted in ClinVar's aggregate classification.

Literature cited by the submitters: PubMed 15024725 (cited by 3billion and Laboratory of Genetics in Ophthalmology, Institut Imagine).

NM_000180.4(GUCY2D):c.3043+4A>T

Gene: GUCY2D (guanylate cyclase 2D, retinal; plus strand). Cytogenetic location: 17p13.1.
Variant type: single nucleotide variant.
Coding change: c.3043+4A>T on transcript NM_000180.4 (MANE Select); 4 bases into the intron after coding-DNA position 3043, A replaced by T.
Molecular consequence: intron variant.
Genome position (GRCh38, 1-based): chr17:8,015,845, A>T. VCF-style: chr17-8015845-A-T. GRCh37 (hg19) VCF-style: chr17-7919163-A-T.
Identifiers: ClinVar variation 98587 (VCV000098587.3), dbSNP rs61750189, ClinGen allele CA226118.